The following is an entry in ClinVar:

NM_000612.6(IGF2):c.199G>A (p.Val67Ile)

Genes: IGF2 (insulin like growth factor 2; minus strand), INS-IGF2 (INS-IGF2 readthrough; minus strand). Cytogenetic location: 11p15.5.
Variant type: single nucleotide variant.
Coding change: c.199G>A on transcript NM_000612.6 (MANE Select); coding-DNA position 199, G replaced by A.
Protein change: p.Val67Ile; replaces valine 67 with isoleucine.
Molecular consequence: missense variant. On other transcripts: non-coding transcript variant (1).
Genome position (GRCh38, 1-based): chr11:2,133,624, C>T on the plus strand (G>A on the coding strand, the complement: IGF2 is on the minus strand). VCF-style: chr11-2133624-C-T. GRCh37 (hg19) VCF-style: chr11-2154854-C-T.
Other names: c.199G>A, p.Val67Ile (NM_001007139.6, NM_001291861.3, NM_001291862.3); c.367G>A, p.Val123Ile (NM_001127598.3); short protein forms V123I, V67I.
Identifiers: ClinVar variation 1328522 (VCV001328522.4), dbSNP rs1564894953, ClinGen allele CA379113657.

ClinVar aggregate classification (germline): Uncertain significance (1 of 4 stars; one submission).

Conditions:
Silver-Russell syndrome 3 (SRS3). Also called: Growth restriction, severe, with distinctive facies. Identifiers: MedGen C4225307, MONDO:0014663, OMIM 616489.

Allele frequency attached by ClinVar (database versions not stated): gnomAD exomes below 0.00001.
gnomAD v4.1: 3 of 1,613,054 alleles (0.00019%); highest among the groups gnomAD compares: Non-Finnish European, 0.00017%; no homozygotes.

Submission:

Illumina Laboratory Services, Illumina
Classification: Uncertain significance for Silver-Russell syndrome 3. Last evaluated: 2021-05-12. Review status: criteria provided, single submitter. Criteria: ICSLVariantClassificationCriteria RUGD 01 April 2020. Collection method: clinical testing. Allele origin: unknown.
Comment: The IGF2 c.367G>A (p.Val123Ile) variant is a missense variant. A literature search was performed for the gene, cDNA change, and amino acid change. No publications were found based on this search. This variant is reported at a frequency of 0.000009 in the European (non-Finnish) population of the Genome Aggregation Database (version 2.1.1), though this is based on a single allele in a region of good sequencing coverage, suggesting that the variant is rare. Based on the limited evidence, the p.Val123Ile variant is classified as a variant of uncertain significance for Silver-Russel syndrome.